The following is an entry in ClinVar:

ClinVar aggregate classification (germline): Uncertain significance (1 of 4 stars; one submission).

Submission:

Labcorp Genetics (formerly Invitae), Labcorp
Classification: Uncertain significance. Last evaluated: 2024-05-15. Review status: criteria provided, single submitter. Criteria: Invitae Variant Classification Sherloc (09022015). Collection method: clinical testing. Allele origin: germline.
Comment: This sequence change replaces alanine, which is neutral and non-polar, with threonine, which is neutral and polar, at codon 598 of the CARMIL2 protein (p.Ala598Thr). This variant is not present in population databases (gnomAD no frequency). This variant has not been reported in the literature in individuals affected with CARMIL2-related conditions. Advanced modeling of protein sequence and biophysical properties (such as structural, functional, and spatial information, amino acid conservation, physicochemical variation, residue mobility, and thermodynamic stability) performed at Invitae indicates that this missense variant is not expected to disrupt CARMIL2 protein function with a negative predictive value of 80%. In summary, the available evidence is currently insufficient to determine the role of this variant in disease. Therefore, it has been classified as a Variant of Uncertain Significance.

NM_001013838.3(CARMIL2):c.1792G>A (p.Ala598Thr)

Gene: CARMIL2 (capping protein regulator and myosin 1 linker 2; plus strand). Cytogenetic location: 16q22.1.
Variant type: single nucleotide variant.
Coding change: c.1792G>A on transcript NM_001013838.3 (MANE Select); coding-DNA position 1792, G replaced by A.
Protein change: p.Ala598Thr; replaces alanine 598 with threonine.
Molecular consequence: missense variant.
Genome position (GRCh38, 1-based): chr16:67,649,492, G>A. VCF-style: chr16-67649492-G-A. GRCh37 (hg19) VCF-style: chr16-67683395-G-A.
Other names: c.1684G>A, p.Ala562Thr (NM_001317026.3); short protein forms A598T, A562T.
Identifiers: ClinVar variation 3702300 (VCV003702300.1).
Genomic context (GRCh38, chr16:67,649,492, plus strand): 5'-TTCTCTTAACCCCAGCCTCTTCAGTCTCTGTCGGTGGCTGAGTCTCGGCTGAAGCTGGGT[G>A]CCAGCGTCCTACTCCGGGCCCTAGCCACCAATCCTAACCTGACCGCGCTGGATATCAGCG-3'
Protein context (NP_001013860.1, residues 588-608): SVAESRLKLG[Ala598Thr]SVLLRALATN